The following is an entry in ClinVar:

ClinVar aggregate classification (germline): Uncertain significance. Review status: criteria provided, multiple submitters, no conflicts (2 of 4 stars). 3 submissions from 3 submitters: Uncertain significance (2). 1 of the submissions does not count toward it. Last evaluated 2026-02-12.

Conditions:
CTNNA1-related disorder. Also called: CTNNA1-related condition.
Hereditary cancer-predisposing syndrome. Also called: Neoplastic Syndromes, Hereditary; Hereditary neoplastic syndrome; Tumor predisposition; Hereditary Cancer Syndrome. Identifiers: Orphanet 140162, MedGen C0027672, MeSH D009386, MONDO:0015356.

Allele frequency attached by ClinVar (database versions not stated): ExAC 0.00002; gnomAD exomes 0.00002.
gnomAD v4.1: 24 of 1,613,848 alleles (0.0015%); highest among the groups gnomAD compares: Non-Finnish European, 0.0018%; no homozygotes.

Submissions (3):

Ambry Genetics
Classification: Uncertain significance for Hereditary cancer-predisposing syndrome. Last evaluated: 2026-02-12. Review status: criteria provided, single submitter. Criteria: Ambry Variant Classification Scheme 2023. Collection method: clinical testing. Allele origin: germline.
Comment: The p.K155E variant (also known as c.463A>G), located in coding exon 3 of the CTNNA1 gene, results from an A to G substitution at nucleotide position 463. The lysine at codon 155 is replaced by glutamic acid, an amino acid with similar properties. This amino acid position is highly conserved in available vertebrate species. In addition, the in silico prediction for this alteration is inconclusive. Based on the available evidence, the clinical significance of this variant remains unclear.

Labcorp Genetics (formerly Invitae), Labcorp
Classification: Uncertain significance. Last evaluated: 2024-02-27. Review status: criteria provided, single submitter. Criteria: Invitae Variant Classification Sherloc (09022015). Collection method: clinical testing. Allele origin: germline.
Comment: This sequence change replaces lysine, which is basic and polar, with glutamic acid, which is acidic and polar, at codon 155 of the CTNNA1 protein (p.Lys155Glu). This variant is present in population databases (rs773859235, gnomAD 0.004%). This variant has not been reported in the literature in individuals affected with CTNNA1-related conditions. ClinVar contains an entry for this variant (Variation ID: 639885). Advanced modeling of protein sequence and biophysical properties (such as structural, functional, and spatial information, amino acid conservation, physicochemical variation, residue mobility, and thermodynamic stability) performed at Invitae indicates that this missense variant is not expected to disrupt CTNNA1 protein function with a negative predictive value of 80%. In summary, the available evidence is currently insufficient to determine the role of this variant in disease. Therefore, it has been classified as a Variant of Uncertain Significance.

PreventionGenetics, part of Exact Sciences
Classification: Uncertain significance for CTNNA1-related condition. Last evaluated: 2024-08-23. Review status: no assertion criteria provided. Collection method: clinical testing. Allele origin: germline. Not counted in ClinVar's aggregate classification.
Comment: The CTNNA1 c.463A>G variant is predicted to result in the amino acid substitution p.Lys155Glu. This variant was reported in an individual with gastric and/or breast cancer (Supplementary Table 1, Clark et al 2020. PubMed ID: 32051609). This variant is reported in 0.0035% of alleles in individuals of European (Non-Finnish) descent in gnomAD. This variant has an interpretation of uncertain significance in ClinVar. At this time, the clinical significance of this variant is uncertain due to the absence of conclusive functional and genetic evidence.

NM_001903.5(CTNNA1):c.463A>G (p.Lys155Glu)

Gene: CTNNA1 (catenin alpha 1; plus strand). Cytogenetic location: 5q31.2.
Variant type: single nucleotide variant.
Coding change: c.463A>G on transcript NM_001903.5 (MANE Select); coding-DNA position 463, A replaced by G.
Protein change: p.Lys155Glu; replaces lysine 155 with glutamic acid.
Molecular consequence: missense variant.
Genome position (GRCh38, 1-based): chr5:138,810,199, A>G. VCF-style: chr5-138810199-A-G. GRCh37 (hg19) VCF-style: chr5-138145888-A-G.
Other names: c.463A>G (NM_001903.4, NM_001903.2); c.463A>G, p.Lys155Glu (NM_001290307.3, NM_001323982.2, NM_001323983.1 and 3 more transcripts); c.154A>G, p.Lys52Glu (NM_001290309.3); c.94A>G, p.Lys32Glu (NM_001290310.3); short protein forms K52E, K155E, K32E.
Identifiers: ClinVar variation 639885 (VCV000639885.10), dbSNP rs773859235, ClinGen allele CA3431443.